The following is an entry in ClinVar:

ClinVar aggregate classification (germline): Pathogenic (1 of 4 stars; one submission).

Conditions:
Deficiency of UDPglucose-hexose-1-phosphate uridylyltransferase. Also called: GALACTOSEMIA I; GALACTOSE-1-PHOSPHATE URIDYLYLTRANSFERASE DEFICIENCY; Transferase Deficiency Galactosemia; GALT deficiency; Galactosemia, classic. Identifiers: Orphanet 352, Orphanet 79239, MedGen C0268151, MONDO:0009258, OMIM 230400.

Submission:

Labcorp Genetics (formerly Invitae), Labcorp
Classification: Pathogenic for Deficiency of UDPglucose-hexose-1-phosphate uridylyltransferase. Last evaluated: 2021-09-28. Review status: criteria provided, single submitter. Criteria: Invitae Variant Classification Sherloc (09022015). Collection method: clinical testing. Allele origin: germline.
Comment: A gross deletion of the genomic region encompassing the full coding sequence of the GALT gene has been identified. Loss-of-function variants in GALT are known to be pathogenic (PMID: 22944367). The boundaries of this event are unknown as they extend beyond the assayed region for this gene and therefore may encompass additional genes. A similar copy number variant has been observed in individual(s) with galactosemia (PMID: 11286505, 15841485, 17079880). For these reasons, this variant has been classified as Pathogenic.

Literature cited by the submitters: PubMed 22944367; PubMed 11286505; PubMed 15841485; PubMed 17079880.

NC_000009.11:g.(?_34646579)_(34655067_?)del

Genes: GALT (galactose-1-phosphate uridylyltransferase; plus strand), IL11RA (interleukin 11 receptor subunit alpha; plus strand). Cytogenetic location: 9p13.3.
Variant type: Deletion.
Identifiers: ClinVar variation 1457166 (VCV001457166.1).